The following is an entry in ClinVar:

NM_006445.4(PRPF8):c.680G>T (p.Arg227Leu)

Gene: PRPF8 (pre-mRNA processing factor 8; minus strand). Cytogenetic location: 17p13.3.
Variant type: single nucleotide variant.
Coding change: c.680G>T on transcript NM_006445.4 (MANE Select); coding-DNA position 680, G replaced by T.
Protein change: p.Arg227Leu; replaces arginine 227 with leucine.
Molecular consequence: missense variant.
Genome position (GRCh38, 1-based): chr17:1,681,664, C>A on the plus strand (G>T on the coding strand, the complement: PRPF8 is on the minus strand). VCF-style: chr17-1681664-C-A. GRCh37 (hg19) VCF-style: chr17-1584958-C-A.
Other names: short protein forms R227L.
Identifiers: ClinVar variation 1433801 (VCV001433801.6), dbSNP rs11559304, ClinGen allele CA286816433.

ClinVar aggregate classification (germline): Uncertain significance (1 of 4 stars; one submission).

Allele frequency attached by ClinVar (database versions not stated): TOPMed below 0.00001.
gnomAD v4.1: 21 of 1,613,976 alleles (0.0013%); highest among the groups gnomAD compares: Non-Finnish European, 0.0017%; no homozygotes.

Submission:

Labcorp Genetics (formerly Invitae), Labcorp
Classification: Uncertain significance. Last evaluated: 2025-04-28. Review status: criteria provided, single submitter. Criteria: Invitae Variant Classification Sherloc (09022015). Collection method: clinical testing. Allele origin: germline.
Comment: This sequence change replaces arginine, which is basic and polar, with leucine, which is neutral and non-polar, at codon 227 of the PRPF8 protein (p.Arg227Leu). This variant is present in population databases (rs11559304, gnomAD 0.0009%). This variant has not been reported in the literature in individuals affected with PRPF8-related conditions. ClinVar contains an entry for this variant (Variation ID: 1433801). Invitae Evidence Modeling of protein sequence and biophysical properties (such as structural, functional, and spatial information, amino acid conservation, physicochemical variation, residue mobility, and thermodynamic stability) indicates that this missense variant is not expected to disrupt PRPF8 protein function with a negative predictive value of 80%. In summary, the available evidence is currently insufficient to determine the role of this variant in disease. Therefore, it has been classified as a Variant of Uncertain Significance.